The following is an entry in ClinVar:

NM_002272.4(KRT4):c.1204G>A (p.Val402Ile)

Gene: KRT4 (keratin 4; minus strand). Cytogenetic location: 12q13.13.
Variant type: single nucleotide variant.
Coding change: c.1204G>A on transcript NM_002272.4 (MANE Select); coding-DNA position 1204, G replaced by A.
Protein change: p.Val402Ile; replaces valine 402 with isoleucine.
Molecular consequence: missense variant.
Genome position (GRCh38, 1-based): chr12:52,807,786, C>T on the plus strand (G>A on the coding strand, the complement: KRT4 is on the minus strand). VCF-style: chr12-52807786-C-T. GRCh37 (hg19) VCF-style: chr12-53201570-C-T.
Other names: short protein forms V402I.
Identifiers: ClinVar variation 883554 (VCV000883554.6), dbSNP rs772882487, ClinGen allele CA6588470.

ClinVar aggregate classification (germline): Likely benign. Review status: criteria provided, multiple submitters, no conflicts (2 of 4 stars). 2 submissions from 2 submitters: Likely benign (2). Last evaluated 2023-02-27.

Conditions:
White sponge nevus 1. Also called: LEUKOKERATOSIS, HEREDITARY MUCOSAL. Identifiers: MedGen C4011926, MONDO:0008676, OMIM 193900.
Inborn genetic diseases. Identifiers: MedGen C0950123, MeSH D030342.

Allele frequency attached by ClinVar (database versions not stated): gnomAD 0.00003 and 0.00004; gnomAD exomes 0.00005; ExAC 0.00006; TOPMed 0.00006.
gnomAD v4.1: 41 of 1,614,086 alleles (0.0025%); highest among the groups gnomAD compares: African/African-American, 0.0067%; no homozygotes.

Submissions (2):

Ambry Genetics
Classification: Likely benign for Inborn genetic diseases. Last evaluated: 2023-02-27. Review status: criteria provided, single submitter. Criteria: Ambry Variant Classification Scheme 2023. Collection method: clinical testing. Allele origin: germline.

Illumina Laboratory Services, Illumina
Classification: Likely benign for White sponge nevus 1. Last evaluated: 2018-01-12. Review status: criteria provided, single submitter. Criteria: ICSL Variant Classification Criteria 13 December 2019. Collection method: clinical testing. Allele origin: germline.
Comment: This variant was observed in the ICSL laboratory as part of a predisposition screen in an ostensibly healthy population. It had not been previously curated by ICSL or reported in the Human Gene Mutation Database (HGMD: prior to June 1st, 2018), and was therefore a candidate for classification through an automated scoring system. Utilizing variant allele frequency, disease prevalence and penetrance estimates, and inheritance mode, an automated score was calculated to assess if this variant is too frequent to cause the disease. Based on the score and internal cut-off values, a variant classified as likely benign is not then subjected to further curation. The score for this variant resulted in a classification of likely benign for this disease.